The following is an entry in ClinVar:

ClinVar aggregate classification (germline): Uncertain significance. Review status: criteria provided, multiple submitters, no conflicts (2 of 4 stars). 2 submissions from 2 submitters: Uncertain significance (2). Last evaluated 2024-11-05.

Conditions:
Hereditary cancer-predisposing syndrome. Also called: Tumor predisposition; Hereditary neoplastic syndrome; Neoplastic Syndromes, Hereditary; Hereditary Cancer Syndrome. Identifiers: Orphanet 140162, MedGen C0027672, MeSH D009386, MONDO:0015356.

Submissions (2):

Ambry Genetics
Classification: Uncertain significance for Hereditary cancer-predisposing syndrome. Last evaluated: 2024-11-05. Review status: criteria provided, single submitter. Criteria: Ambry Variant Classification Scheme 2023. Collection method: clinical testing. Allele origin: germline.
Comment: The c.1324_1326delATT variant (also known as p.I442del) is located in coding exon 4 of the MSH6 gene. This variant results from an in-frame ATT deletion at nucleotide positions 1324 to 1326. This results in the in-frame deletion of an isoleucine at codon 442. This amino acid position is not well conserved in available vertebrate species. In addition, this alteration is predicted to be deleterious by in silico analysis (Choi Y et al. PLoS ONE. 2012; 7(10):e46688). Based on the available evidence, the clinical significance of this variant remains unclear.

GeneDx
Classification: Uncertain significance. Last evaluated: 2023-08-03. Review status: criteria provided, single submitter. Criteria: GeneDx Variant Classification Process June 2021. Collection method: clinical testing. Allele origin: germline. Affected: yes.
Comment: Not observed at significant frequency in large population cohorts (gnomAD); In-frame deletion of 1 amino acid in a non-repeat region; In silico analysis supports a deleterious effect on protein structure/function; Has not been previously published as pathogenic or benign to our knowledge; Located in the critical mismatch binding domain (Warren et al., 2007; Kansikas et al., 2011); This variant is associated with the following publications: (PMID: 17531815, 21120944)

NM_000179.3(MSH6):c.1324_1326del (p.Ile442del)

Gene: MSH6 (mutS homolog 6; plus strand). Cytogenetic location: 2p16.3.
Variant type: Deletion.
Coding change: c.1324_1326del on transcript NM_000179.3 (MANE Select); coding-DNA positions 1324 to 1326, 3 bases deleted (ATT; older notation c.1324_1326delATT).
Protein change: p.Ile442del; deletes isoleucine 442.
Molecular consequence: inframe deletion.
Genome position (GRCh38, 1-based): chr2:47,799,307-47,799,309, ATT deleted; deleting any 3 consecutive bases within chr2:47,799,305-47,799,309 gives the same sequence; the c. name uses the placement nearest the transcript's 3' end. VCF-style (leftmost placement, unchanged base first): chr2-47799304-CTTA-C. GRCh37 (hg19) VCF-style: chr2-48026443-CTTA-C.
Other names: c.934_936del, p.Ile312del (NM_001281492.2); c.418_420del, p.Ile140del (NM_001281493.2, NM_001281494.2); c.1324_1326delATT (NM_000179.2); c.1324_1326del (NM_000179.2); short protein forms I140del, I312del, I442del.
Identifiers: ClinVar variation 818925 (VCV000818925.6), dbSNP rs1572722552, ClinGen allele CA915943809.